The following is an entry in ClinVar:

ClinVar aggregate classification (germline): Benign/Likely benign. Review status: criteria provided, multiple submitters, no conflicts (2 of 4 stars). 2 submissions from 2 submitters: Benign (1); Likely benign (1). Last evaluated 2026-06-01.

Allele frequency attached by ClinVar (database versions not stated): gnomAD 0.00001; gnomAD exomes 0.00001 and 0.00002; TOPMed 0.00002; ExAC 0.00003.
gnomAD v4.1: 20 of 1,613,064 alleles (0.0012%); highest among the groups gnomAD compares: East Asian, 0.0089%; no homozygotes.

Submissions (2):

CeGaT Center for Human Genetics Tuebingen
Classification: Likely benign. Last evaluated: 2026-06-01. Review status: criteria provided, single submitter. Criteria: CeGaT Center For Human Genetics Tuebingen Variant Classification Criteria Version 2. Collection method: clinical testing. Allele origin: germline. Affected: yes. Observed: 2 variant alleles.
Comment: PACS2: BP4

Labcorp Genetics (formerly Invitae), Labcorp
Classification: Benign. Last evaluated: 2025-06-03. Review status: criteria provided, single submitter. Criteria: Invitae Variant Classification Sherloc (09022015). Collection method: clinical testing. Allele origin: germline.

NM_001100913.3(PACS2):c.484G>A (p.Ala162Thr)

Gene: PACS2 (phosphofurin acidic cluster sorting protein 2; plus strand). Cytogenetic location: 14q32.33.
Variant type: single nucleotide variant.
Coding change: c.484G>A on transcript NM_001100913.3 (MANE Select); coding-DNA position 484, G replaced by A.
Protein change: p.Ala162Thr; replaces alanine 162 with threonine.
Molecular consequence: missense variant.
Genome position (GRCh38, 1-based): chr14:105,367,273, G>A. VCF-style: chr14-105367273-G-A. GRCh37 (hg19) VCF-style: chr14-105833610-G-A.
Other names: c.283G>A, p.Ala95Thr (NM_001243127.3); c.484G>A, p.Ala162Thr (NM_015197.4); short protein forms A162T, A95T.
Identifiers: ClinVar variation 1599494 (VCV001599494.21), dbSNP rs782514056, ClinGen allele CA7388394.